The following is an entry in ClinVar:

ClinVar aggregate classification (germline): Likely benign. Review status: criteria provided, multiple submitters, no conflicts (2 of 4 stars). 3 submissions from 3 submitters: Likely benign (3). Last evaluated 2024-07-29.

Conditions:
Cardiomyopathy (CMYO). Also called: Cardiomyopathies. Identifiers: Orphanet 167848, MedGen C0878544, MONDO:0004994, HP:0001638. Inheritance: Various modes of inheritance.
Catecholaminergic polymorphic ventricular tachycardia (CVPT). Also called: Catecholamine-induced polymorphic ventricular tachycardia. Identifiers: Orphanet 3286, MedGen C5574922, MONDO:0017990.
Catecholaminergic polymorphic ventricular tachycardia 1. Also called: VENTRICULAR TACHYCARDIA, CATECHOLAMINERGIC POLYMORPHIC, 1, WITH OR WITHOUT ATRIAL DYSFUNCTION AND/OR DILATED CARDIOMYOPATHY; VENTRICULAR TACHYCARDIA, STRESS-INDUCED POLYMORPHIC 1; RYR2-Related Catecholaminergic Polymorphic Ventricular Tachycardia. Identifiers: Orphanet 3286, MedGen C1631597, MONDO:0011484, OMIM 604772.

Allele frequency attached by ClinVar (database versions not stated): gnomAD exomes below 0.00001; TOPMed below 0.00001.
gnomAD v4.1: 2 of 1,612,720 alleles (0.00012%); highest among the groups gnomAD compares: Non-Finnish European, 0.00017%; no homozygotes.

Submissions (3):

All of Us Research Program, National Institutes of Health
Classification: Likely benign for Catecholaminergic polymorphic ventricular tachycardia. Last evaluated: 2024-07-29. Review status: criteria provided, single submitter. Criteria: ACMG Guidelines, 2015. Collection method: clinical testing. Allele origin: germline. Inheritance: Autosomal dominant inheritance. Observed: 1 variant allele, 1 heterozygote.
Comment: This study involves interpretation of variants in research participants for the purpose of population health screening. Participant phenotype was not available at the time of variant classification. Additional details can be found in publication PMID: 35346344, PMCID: PMC8962531

Labcorp Genetics (formerly Invitae), Labcorp
Classification: Likely benign for Catecholaminergic polymorphic ventricular tachycardia 1. Last evaluated: 2022-06-20. Review status: criteria provided, single submitter. Criteria: Invitae Variant Classification Sherloc (09022015). Collection method: clinical testing. Allele origin: germline.

Color Diagnostics, LLC DBA Color Health
Classification: Likely benign for Cardiomyopathy. Last evaluated: 2019-03-11. Review status: criteria provided, single submitter. Criteria: ACMG Guidelines, 2015. Collection method: clinical testing. Allele origin: germline.

NM_001035.3(RYR2):c.10324-9G>A

Gene: RYR2 (ryanodine receptor 2; plus strand). Cytogenetic location: 1q43.
Variant type: single nucleotide variant.
Coding change: c.10324-9G>A on transcript NM_001035.3 (MANE Select); 9 bases into the intron before coding-DNA position 10324, G replaced by A.
Molecular consequence: intron variant.
Genome position (GRCh38, 1-based): chr1:237,717,189, G>A. VCF-style: chr1-237717189-G-A. GRCh37 (hg19) VCF-style: chr1-237880489-G-A.
Identifiers: ClinVar variation 927752 (VCV000927752.13), dbSNP rs1238809463, ClinGen allele CA733299305.